The following is an entry in ClinVar:

NM_001134363.3(RBM20):c.89_90delinsCA (p.Arg30Pro)

Gene: RBM20 (RNA binding motif protein 20; plus strand). Cytogenetic location: 10q25.2.
Variant type: Indel.
Coding change: c.89_90delinsCA on transcript NM_001134363.3 (MANE Select); coding-DNA positions 89 to 90, GG replaced by CA.
Protein change: p.Arg30Pro; replaces arginine 30 with proline.
Molecular consequence: missense variant.
Genome position (GRCh38, 1-based): chr10:110,644,543-110,644,544, GG replaced by CA. VCF-style: chr10-110644543-GG-CA. GRCh37 (hg19) VCF-style: chr10-112404301-GG-CA.
Other names: short protein forms R30P.
Identifiers: ClinVar variation 1025442 (VCV001025442.8), dbSNP rs1861838722, ClinGen allele CA2497306215.
Genomic context (GRCh38, chr10:110,644,543, plus strand): 5'-ACGCGGACCCCAGCGGTCCGGAGCAGCCGGACAGAGTTGCCTGCAGTGTGCCTGGTGCCC[GG>CA]GCGTCCCCGGCACCCTCCGGCCCGCGAGGGATGCAGCAGCCGCCGCCGCCGCCCCAGCCA-3'
Protein context (NP_001127835.2, residues 20-40): DRVACSVPGA[Arg30Pro]ASPAPSGPRG

ClinVar aggregate classification (germline): Uncertain significance (1 of 4 stars; one submission).

Conditions:
Dilated cardiomyopathy 1DD (CMD1DD). Identifiers: Orphanet 154, MedGen C2750995, MONDO:0013168, OMIM 613172.

Submission:

Labcorp Genetics (formerly Invitae), Labcorp
Classification: Uncertain significance for Dilated cardiomyopathy 1DD. Last evaluated: 2020-06-10. Review status: criteria provided, single submitter. Criteria: Invitae Variant Classification Sherloc (09022015). Collection method: clinical testing. Allele origin: germline.
Comment: In summary, the available evidence is currently insufficient to determine the role of this variant in disease. Therefore, it has been classified as a Variant of Uncertain Significance. Algorithms developed to predict the effect of sequence changes on RNA splicing suggest that this variant may create or strengthen a splice site, but this prediction has not been confirmed by published transcriptional studies. Algorithms developed to predict the effect of missense changes on protein structure and function are either unavailable or do not agree on the potential impact of this missense change (SIFT: "Not Available"; PolyPhen-2: "Benign"; Align-GVGD: "Not Available"). This variant has not been reported in the literature in individuals with RBM20-related conditions. The frequency data for this variant in the population databases is considered unreliable, as metrics indicate insufficient coverage at this position in the ExAC database. This sequence change replaces arginine with proline at codon 30 of the RBM20 protein (p.Arg30Pro). The arginine residue is weakly conserved and there is a moderate physicochemical difference between arginine and proline.